The following is an entry in ClinVar:

ClinVar aggregate classification (germline): Uncertain significance (1 of 4 stars; one submission).

Conditions:
ADNP-related multiple congenital anomalies - intellectual disability - autism spectrum disorder. Also called: Helsmoortel-Van der Aa Syndrome; ADNP-Related Helsmoortel-Van der Aa Syndrome. Identifiers: Orphanet 404448, MedGen C4014538, MONDO:0014379, OMIM 615873. Disease mechanism: loss of function.

Submission:

Juno Genomics, Hangzhou Juno Genomics, Inc
Classification: Uncertain significance for ADNP-related multiple congenital anomalies - intellectual disability - autism spectrum disorder. Review status: criteria provided, single submitter. Criteria: ACMG Guidelines, 2015. Collection method: clinical testing. Allele origin: germline. Affected: yes.
Comment: Absent from controls (or at extremely low frequency if recessive) in Genome Aggregation Database, Exome Sequencing Project, 1000 Genomes Project, or Exome Aggregation Consortium.;Multiple lines of computational evidence support a deleterious effect on the gene or gene product (conservation, evolutionary, splicing impact, etc).

NM_001282531.3(ADNP):c.2357T>C (p.Ile786Thr)

Gene: ADNP (activity dependent neuroprotector homeobox; minus strand). Cytogenetic location: 20q13.13.
Variant type: single nucleotide variant.
Coding change: c.2357T>C on transcript NM_001282531.3 (MANE Select); coding-DNA position 2357, T replaced by C.
Protein change: p.Ile786Thr; replaces isoleucine 786 with threonine.
Molecular consequence: missense variant.
Genome position (GRCh38, 1-based): chr20:50,892,357, A>G on the plus strand (T>C on the coding strand, the complement: ADNP is on the minus strand). VCF-style: chr20-50892357-A-G. GRCh37 (hg19) VCF-style: chr20-49508894-A-G.
Other names: c.2357T>C, p.Ile786Thr (NM_001282532.2, NM_001347511.2, NM_015339.5 and 1 more transcripts); short protein forms I786T.
Identifiers: ClinVar variation 3382434 (VCV003382434.2).